The following is an entry in ClinVar:

NM_017780.4(CHD7):c.295G>C (p.Ala99Pro)

Gene: CHD7 (chromodomain helicase DNA binding protein 7; plus strand). Cytogenetic location: 8q12.2.
Variant type: single nucleotide variant.
Coding change: c.295G>C on transcript NM_017780.4 (MANE Select); coding-DNA position 295, G replaced by C.
Protein change: p.Ala99Pro; replaces alanine 99 with proline.
Molecular consequence: missense variant.
Genome position (GRCh38, 1-based): chr8:60,741,727, G>C. VCF-style: chr8-60741727-G-C. GRCh37 (hg19) VCF-style: chr8-61654286-G-C.
Other names: c.295G>C, p.Ala99Pro (NM_001316690.1); c.295G>C (LRG_176t1); short protein forms A99P.
Identifiers: ClinVar variation 267413 (VCV000267413.17), dbSNP rs779024959, ClinGen allele CA4759288.

ClinVar aggregate classification (germline): Conflicting classifications of pathogenicity. Review status: criteria provided, conflicting classifications (1 of 4 stars). 6 submissions from 6 submitters: Uncertain significance (3); Benign (1); Likely benign (2). Last evaluated 2026-10-30.

Conditions:
Inborn genetic diseases. Identifiers: MedGen C0950123, MeSH D030342.
CHARGE syndrome (CHARGE). Also called: Hittner Hirsch Kreh syndrome; Coloboma, heart anomaly, choanal atresia, retardation, genital and ear anomalies; CHARGE association; Hall-Hittner syndrome; CHARGE ASSOCIATION--COLOBOMA, HEART ANOMALY, CHOANAL ATRESIA, RETARDATION, GENITAL AND EAR ANOMALIES. Identifiers: Orphanet 138, MedGen C0265354, MONDO:0008965.
Hypogonadotropic hypogonadism 5 with or without anosmia (KAL5). Also called: CHD7-Related GnRH Deficiency (Kallmann Syndrome 5); HYPOGONADOTROPIC HYPOGONADISM 5 WITH ANOSMIA; HYPOGONADOTROPHIC HYPOGONADISM 5 WITHOUT ANOSMIA. Identifiers: Orphanet 478, MedGen C3552553, MONDO:0012880, OMIM 612370. Disease mechanism: loss of function.

Allele frequency attached by ClinVar (database versions not stated): TOPMed 0.00002; gnomAD 0.00003.
gnomAD v4.1: 97 of 1,613,832 alleles (0.006%); highest among the groups gnomAD compares: Non-Finnish European, 0.0075%; no homozygotes.

Submissions (6):

GeneDx
Classification: Likely benign. Last evaluated: 2026-10-30. Review status: criteria provided, single submitter. Criteria: GeneDx Variant Classification Process June 2021. Collection method: clinical testing. Allele origin: germline.
Comment: See Variant Classification Assertion Criteria.

Labcorp Genetics (formerly Invitae), Labcorp
Classification: Benign for CHARGE syndrome. Last evaluated: 2025-04-23. Review status: criteria provided, single submitter. Criteria: Invitae Variant Classification Sherloc (09022015). Collection method: clinical testing. Allele origin: germline.

Ambry Genetics
Classification: Likely benign for Inborn genetic diseases. Last evaluated: 2025-01-28. Review status: criteria provided, single submitter. Criteria: Ambry Variant Classification Scheme 2023. Collection method: clinical testing. Allele origin: germline.

Fulgent Genetics
Classification: Uncertain significance for CHD7-related CHARGE syndrome; Hypogonadotropic hypogonadism 5 with or without anosmia. Last evaluated: 2022-05-18. Review status: criteria provided, single submitter. Criteria: ACMG Guidelines, 2015. Collection method: clinical testing. Allele origin: unknown.

Revvity Omics, Revvity
Classification: Uncertain significance. Last evaluated: 2019-10-23. Review status: criteria provided, single submitter. Criteria: ACMG Guidelines, 2015. Collection method: clinical testing. Allele origin: germline.

Genomic Diagnostic Laboratory, Division of Genomic Diagnostics, Children's Hospital of Philadelphia
Classification: Uncertain significance for CHARGE syndrome. Last evaluated: 2016-09-05. Review status: criteria provided, single submitter. Criteria: DGD Variant Analysis Guidelines. Collection method: clinical testing. Allele origin: germline. Observed: 2 variant alleles.
Comment: Clinical Testing